The following is an entry in ClinVar:

NM_000138.5(FBN1):c.4817-1G>C

Gene: FBN1 (fibrillin 1; minus strand). Cytogenetic location: 15q21.1.
Variant type: single nucleotide variant.
Coding change: c.4817-1G>C on transcript NM_000138.5 (MANE Select); the canonical splice acceptor site of the intron before coding-DNA position 4817, G replaced by C.
Molecular consequence: splice acceptor variant.
Genome position (GRCh38, 1-based): chr15:48,465,694, C>G on the plus strand (G>C on the coding strand, the complement: FBN1 is on the minus strand). VCF-style: chr15-48465694-C-G. GRCh37 (hg19) VCF-style: chr15-48757891-C-G.
Other names: c.4817-1G>C (NM_001406716.1).
Identifiers: ClinVar variation 1743318 (VCV001743318.3), dbSNP rs2141269787, ClinGen allele CA392351457.

ClinVar aggregate classification (germline): Pathogenic/Likely pathogenic. Review status: criteria provided, multiple submitters, no conflicts (2 of 4 stars). 2 submissions from 2 submitters: Pathogenic (1); Likely pathogenic (1). Last evaluated 2018-08-15.

Conditions:
Familial thoracic aortic aneurysm and aortic dissection (TAAD). Also called: Thoracic aortic aneurysms and dissections. Identifiers: Orphanet 91387, MedGen C4707243, MONDO:0019625.
Marfan syndrome (MFS). Also called: MARFAN SYNDROME, TYPE I; Marfan syndrome type 1; Marfan's syndrome; Marfan syndrome, classic; FBN1-Related Marfan Syndrome. Identifiers: Orphanet 284963, Orphanet 558, MedGen C0024796, MONDO:0007947, OMIM 154700.

Submissions (2):

Ambry Genetics
Classification: Pathogenic for Familial thoracic aortic aneurysm and aortic dissection. Last evaluated: 2018-08-15. Review status: criteria provided, single submitter. Criteria: Ambry Variant Classification Scheme 2023. Collection method: clinical testing. Allele origin: germline.
Comment: The c.4817-1G>C intronic pathogenic mutation results from a G to C substitution one nucleotide upstream from coding exon 39 of the FBN1 gene. Additional nucleotide changes at this intronic position, including c.4817-1G>A and c.4817-1G>T, have been reported in individuals with Marfan syndrome and Marfan-like features (Rommel K et al. Hum. Mutat., 2002 Nov;20:406-7; Groth KA et al. Genet. Med., 2017 07;19:772-777; Overwater E et al. Eur J Med Genet, 2017 Sep;60:465-473). In addition to the clinical data presented in the literature, alterations that disrupt the canonical splice site are expected to cause aberrant splicing, resulting in an abnormal protein or a transcript that is subject to nonsense-mediated mRNA decay. As such, this alteration is classified as a disease-causing mutation.

Juno Genomics, Hangzhou Juno Genomics, Inc
Classification: Likely pathogenic for Marfan syndrome. Review status: criteria provided, single submitter. Criteria: ACMG Guidelines, 2015. Collection method: clinical testing. Allele origin: germline. Affected: yes.
Comment: Absent from controls (or at extremely low frequency if recessive) in Genome Aggregation Database.;Null variant in a gene where loss of function (LOF) is a known mechanism of disease.;Patient's phenotype or family history is highly specific for a disease with a single genetic etiology.

Literature cited by the submitters: PubMed 12402346 (cited by Ambry Genetics); PubMed 27906200 (cited by Ambry Genetics); PubMed 28642162 (cited by Ambry Genetics).